The following is an entry in ClinVar:

ClinVar aggregate classification (germline): Pathogenic/Likely pathogenic. Review status: criteria provided, multiple submitters, no conflicts (2 of 4 stars). 2 submissions from 2 submitters: Pathogenic (1); Likely pathogenic (1). Last evaluated 2024-03-07.

Conditions:
Pulmonary fibrosis and/or bone marrow failure, Telomere-related, 3. Also called: PULMONARY FIBROSIS AND/OR BONE MARROW FAILURE SYNDROME, TELOMERE-RELATED, 3. Identifiers: Orphanet 2032, MedGen C4225346, MONDO:0014613, OMIM 616373.
Dyskeratosis congenita, autosomal recessive 5 (DKCB5). Identifiers: MedGen C3554656, MONDO:0014076, OMIM 615190.
Dyskeratosis congenita. Identifiers: Orphanet 1775, MedGen C0265965, MONDO:0015780.

Submissions (2):

Labcorp Genetics (formerly Invitae), Labcorp
Classification: Pathogenic for Dyskeratosis congenita, autosomal recessive 5; Pulmonary fibrosis and/or bone marrow failure, Telomere-related, 3. Last evaluated: 2024-03-07. Review status: criteria provided, single submitter. Criteria: Invitae Variant Classification Sherloc (09022015). Collection method: clinical testing. Allele origin: germline.
Comment: This sequence change results in a frameshift in the RTEL1 gene (p.Phe1184Leufs*179). While this is not anticipated to result in nonsense mediated decay, it is expected to disrupt the last 117 amino acid(s) of the RTEL1 protein and extend the protein by 61 additional amino acid residues. This variant is not present in population databases (gnomAD no frequency). This variant has not been reported in the literature in individuals affected with RTEL1-related conditions. This variant disrupts a region of the RTEL1 protein in which other variant(s) (p.Arg1264His) have been determined to be pathogenic (PMID: 23453664, 24009516, 25047097, 25099625, 26025130). This suggests that this is a clinically significant region of the protein, and that variants that disrupt it are likely to be disease-causing. For these reasons, this variant has been classified as Pathogenic.

Natera, Inc.
Classification: Likely pathogenic for Dyskeratosis congenita. Last evaluated: 2024-02-20. Review status: criteria provided, single submitter. Criteria: Natera Variant Classification Schema (03/2026). Collection method: clinical testing. Allele origin: germline.
Comment: The c.3624_3627delCCTT variant in RTEL1 is a frameshift variant predicted to elongate the protein beyond the termination codon. This variant is expected to result in nonsense mediated decay, truncation, or a dysfunctional protein product. This variant is rare in the general population with a frequency below the threshold expected for the associated phenotype(s). Given the available evidence, this variant is classified as Likely Pathogenic.

Literature cited by the submitters: PubMed 23453664 (cited by Labcorp Genetics (formerly Invitae), Labcorp); PubMed 24009516 (cited by Labcorp Genetics (formerly Invitae), Labcorp); PubMed 25047097 (cited by Labcorp Genetics (formerly Invitae), Labcorp); PubMed 25099625 (cited by Labcorp Genetics (formerly Invitae), Labcorp); PubMed 26025130 (cited by Labcorp Genetics (formerly Invitae), Labcorp).

NM_001283009.2(RTEL1):c.3552_3555del (p.Phe1184fs)

Genes: RTEL1 (regulator of telomere elongation helicase 1; plus strand), RTEL1-TNFRSF6B (RTEL1-TNFRSF6B readthrough (NMD candidate); plus strand). Cytogenetic location: 20q13.33.
Variant type: Microsatellite.
Coding change: c.3552_3555del on transcript NM_001283009.2 (MANE Select); coding-DNA positions 3552 to 3555, 4 bases deleted (CCTT; older notation c.3552_3555delCCTT).
Protein change: p.Phe1184fs; shifts the reading frame from phenylalanine 1184.
Molecular consequence: frameshift variant. On other transcripts: non-coding transcript variant (1).
Genome position (GRCh38, 1-based): chr20:63,695,380-63,695,383, CCTT deleted; deleting any 4 consecutive bases within chr20:63,695,375-63,695,383 gives the same sequence; the c. name uses the placement nearest the transcript's 3' end. VCF-style (leftmost placement, unchanged base first): chr20-63695374-GTCCT-G. GRCh37 (hg19) VCF-style: chr20-62326727-GTCCT-G.
Other names: c.3624_3627delCCTT (NM_032957.4); c.2883_2886del, p.Phe961fs (NM_001283010.1); c.3552_3555del, p.Phe1184fs (NM_016434.4); c.3624_3627del, p.Phe1208fs (NM_032957.5); short protein forms F1184fs, F1208fs, F961fs.
Identifiers: ClinVar variation 3755161 (VCV003755161.3).